The following is an entry in ClinVar:

ClinVar aggregate classification (germline): Likely pathogenic (1 of 4 stars; one submission).

Submission:

GeneDx
Classification: Likely pathogenic. Last evaluated: 2024-05-17. Review status: criteria provided, single submitter. Criteria: GeneDx Variant Classification Process June 2021. Collection method: clinical testing. Allele origin: germline. Affected: yes.
Comment: Identified in a patient with Schaaf-Yang syndrome in published literature (PMID: 36220858) and in patients with clinical features consistent with MAGEL2-related neurodevelopmental disorder with contractures referred for genetic testing at GeneDx; Frameshift variant predicted to result in abnormal protein length as the last 550 amino acids are replaced with 1 different amino acid, and other similar variants have been reported in HGMD; Not observed at significant frequency in large population cohorts (gnomAD); This variant is associated with the following publications: (PMID: 36220858)

NM_019066.5(MAGEL2):c.2099del (p.Pro700fs)

Gene: MAGEL2 (MAGE family member L2; minus strand). Cytogenetic location: 15q11.2.
Variant type: Deletion.
Coding change: c.2099del on transcript NM_019066.5 (MANE Select); coding-DNA position 2099, one base deleted (C; older notation c.2099delC).
Protein change: p.Pro700fs; shifts the reading frame from proline 700.
Molecular consequence: frameshift variant.
Genome position (GRCh38, 1-based): chr15:23,645,644, G deleted on the plus strand (C on the coding strand, the reverse complement: MAGEL2 is on the minus strand); the first of 5 consecutive G bases (chr15:23,645,644-23,645,648); deleting any one gives the same sequence. VCF-style (leftmost placement, unchanged base first): chr15-23645643-CG-C. GRCh37 (hg19) VCF-style: chr15-23890790-CG-C.
Other names: short protein forms P700fs.
Identifiers: ClinVar variation 3377981 (VCV003377981.1).